The following is an entry in ClinVar:

ClinVar aggregate classification (germline): Benign/Likely benign. Review status: criteria provided, multiple submitters, no conflicts (2 of 4 stars). 4 submissions from 4 submitters: Benign (1); Likely benign (3). Last evaluated 2025-07-08.

Conditions:
Hereditary cancer-predisposing syndrome. Also called: Tumor predisposition; Neoplastic Syndromes, Hereditary; Hereditary neoplastic syndrome; Hereditary Cancer Syndrome. Identifiers: Orphanet 140162, MedGen C0027672, MeSH D009386, MONDO:0015356.
BAP1-related tumor predisposition syndrome (TPDS1). Also called: Tumor susceptibility linked to germline BAP1 mutations; BAP1 tumor predisposition syndrome; COMMON Syndrome; TUMOR PREDISPOSITION SYNDROME 1. Identifiers: Orphanet 289539, MedGen C3280492, MONDO:0013692, OMIM 614327.

Allele frequency attached by ClinVar (database versions not stated): gnomAD exomes below 0.00001.
gnomAD v4.1: 1 of 1,614,126 alleles (0.000062%); highest among the groups gnomAD compares: Non-Finnish European, 0.000085%; no homozygotes.

Submissions (4):

Labcorp Genetics (formerly Invitae), Labcorp
Classification: Likely benign for BAP1-related tumor predisposition syndrome. Last evaluated: 2025-07-08. Review status: criteria provided, single submitter. Criteria: Invitae Variant Classification Sherloc (09022015). Collection method: clinical testing. Allele origin: germline.

Ambry Genetics
Classification: Likely benign for Hereditary cancer-predisposing syndrome. Last evaluated: 2024-10-25. Review status: criteria provided, single submitter. Criteria: Ambry Variant Classification Scheme 2023. Collection method: clinical testing. Allele origin: germline.

Myriad Genetics, Inc.
Classification: Benign for BAP1-related tumor predisposition syndrome. Last evaluated: 2024-07-16. Review status: criteria provided, single submitter. Criteria: Myriad Autosomal Dominant, Autosomal Recessive and X-Linked Classification Criteria (2023). Collection method: clinical testing. Allele origin: unknown.
Comment: This variant is considered benign. This variant is a silent/synonymous amino acid change and it is not expected to impact splicing.

Color Diagnostics, LLC DBA Color Health
Classification: Likely benign for Hereditary cancer-predisposing syndrome. Last evaluated: 2018-06-19. Review status: criteria provided, single submitter. Criteria: ACMG Guidelines, 2015. Collection method: clinical testing. Allele origin: germline.

NM_004656.4(BAP1):c.1524C>G (p.Arg508=)

Gene: BAP1 (BRCA1 associated deubiquitinase 1; minus strand). Cytogenetic location: 3p21.1.
Variant type: single nucleotide variant.
Coding change: c.1524C>G on transcript NM_004656.4 (MANE Select); coding-DNA position 1524, C replaced by G.
Protein change: p.Arg508=; no amino-acid change (arginine 508 retained).
Molecular consequence: synonymous variant.
Genome position (GRCh38, 1-based): chr3:52,403,621, G>C on the plus strand (C>G on the coding strand, the complement: BAP1 is on the minus strand). VCF-style: chr3-52403621-G-C. GRCh37 (hg19) VCF-style: chr3-52437637-G-C.
Other names: c.1524C>G (NM_004656.2).
Identifiers: ClinVar variation 630556 (VCV000630556.7), dbSNP rs1312229380, ClinGen allele CA433886168.